The following is an entry in ClinVar:

ClinVar aggregate classification (germline): Uncertain significance. Review status: criteria provided, multiple submitters, no conflicts (2 of 4 stars). 3 submissions from 3 submitters: Uncertain significance (3). Last evaluated 2026-02-25.

Conditions:
Inborn genetic diseases. Identifiers: MedGen C0950123, MeSH D030342.
PKD1L1-related disorder. Also called: PKD1L1-related condition.

gnomAD v4.1: 77 of 1,610,276 alleles (0.0048%); highest among the groups gnomAD compares: African/African-American, 0.027%; no homozygotes.

Submissions (3):

GeneDx
Classification: Uncertain significance. Last evaluated: 2026-02-25. Review status: criteria provided, single submitter. Criteria: GeneDx Variant Classification Process June 2021. Collection method: clinical testing. Allele origin: germline.
Comment: In silico analysis supports that this missense variant has a deleterious effect on protein structure/function; Has not been previously published as pathogenic or benign to our knowledge

Ambry Genetics
Classification: Uncertain significance for Inborn genetic diseases. Last evaluated: 2025-10-23. Review status: criteria provided, single submitter. Criteria: Ambry Variant Classification Scheme 2023. Collection method: clinical testing. Allele origin: germline.

PreventionGenetics, part of Exact Sciences
Classification: Uncertain significance for PKD1L1-related condition. Last evaluated: 2024-10-25. Review status: criteria provided, single submitter. Criteria: ACMG Guidelines, 2015. Collection method: clinical testing. Allele origin: germline.
Comment: The PKD1L1 c.7493C>T variant is predicted to result in the amino acid substitution p.Thr2498Met. To our knowledge, this variant has not been reported in the literature. This variant is reported in 0.021% of alleles in individuals of African descent in gnomAD. At this time, the clinical significance of this variant is uncertain due to the absence of conclusive functional and genetic evidence.

NM_138295.5(PKD1L1):c.7493C>T (p.Thr2498Met)

Genes: PKD1L1-AS1 (PKD1L1 antisense RNA 1; plus strand), PKD1L1 (polycystin 1 like 1, transient receptor potential channel interacting; minus strand). Cytogenetic location: 7p12.3.
Variant type: single nucleotide variant.
Coding change: c.7493C>T on transcript NM_138295.5 (MANE Select); coding-DNA position 7493, C replaced by T.
Protein change: p.Thr2498Met; replaces threonine 2498 with methionine.
Molecular consequence: missense variant.
Genome position (GRCh38, 1-based): chr7:47,811,905, G>A on the plus strand (C>T on the coding strand, the complement: PKD1L1 is on the minus strand). VCF-style: chr7-47811905-G-A. GRCh37 (hg19) VCF-style: chr7-47851503-G-A.
Other names: short protein forms T2498M.
Identifiers: ClinVar variation 4627769 (VCV004627769.2).